The following is an entry in ClinVar:

NM_181703.4(GJA5):c.730C>T (p.His244Tyr)

Genes: GJA5 (gap junction protein alpha 5; minus strand), LOC122128420 (Sharpr-MPRA regulatory region 3144; plus strand). Cytogenetic location: 1q21.2.
Variant type: single nucleotide variant.
Coding change: c.730C>T on transcript NM_181703.4 (MANE Select); coding-DNA position 730, C replaced by T.
Protein change: p.His244Tyr; replaces histidine 244 with tyrosine.
Molecular consequence: missense variant.
Genome position (GRCh38, 1-based): chr1:147,758,509, G>A on the plus strand (C>T on the coding strand, the complement: GJA5 is on the minus strand). VCF-style: chr1-147758509-G-A. GRCh37 (hg19) VCF-style: chr1-147230617-G-A.
Other names: c.730C>T, p.His244Tyr (NM_005266.7); short protein forms H244Y.
Identifiers: ClinVar variation 2014737 (VCV002014737.4), dbSNP rs782110728, ClinGen allele CA1065724.

ClinVar aggregate classification (germline): Uncertain significance (1 of 4 stars; one submission).

Conditions:
Atrial standstill 1 (ATRST1). Also called: ATRIAL CARDIOMYOPATHY WITH HEART BLOCK; CARDIOMYOPATHY, FAMILIAL, WITH CONDUCTION DISTURBANCE; Atrial standstill, digenic (GJA5/SCN5A). Identifiers: Orphanet 1344, MedGen C4551959, MONDO:0007171, OMIM 108770.
Atrial fibrillation, familial, 11 (ATFB11). Identifiers: MedGen C3279693, MONDO:0013544, OMIM 614049.

Allele frequency attached by ClinVar (database versions not stated): ExAC 0.00002; gnomAD exomes 0.00002; gnomAD 0.00004.
gnomAD v4.1: 32 of 1,614,024 alleles (0.002%); highest among the groups gnomAD compares: African/African-American, 0.004%; no homozygotes.

Submission:

Labcorp Genetics (formerly Invitae), Labcorp
Classification: Uncertain significance for Atrial fibrillation, familial, 11; Atrial standstill 1. Last evaluated: 2025-10-03. Review status: criteria provided, single submitter. Criteria: Invitae Variant Classification Sherloc (09022015). Collection method: clinical testing. Allele origin: germline.
Comment: This sequence change replaces histidine, which is basic and polar, with tyrosine, which is neutral and polar, at codon 244 of the GJA5 protein (p.His244Tyr). This variant is present in population databases (rs782110728, gnomAD 0.02%). This variant has not been reported in the literature in individuals affected with GJA5-related conditions. ClinVar contains an entry for this variant (Variation ID: 2014737). Invitae Evidence Modeling of protein sequence and biophysical properties (such as structural, functional, and spatial information, amino acid conservation, physicochemical variation, residue mobility, and thermodynamic stability) indicates that this missense variant is not expected to disrupt GJA5 protein function with a negative predictive value of 80%. In summary, the available evidence is currently insufficient to determine the role of this variant in disease. Therefore, it has been classified as a Variant of Uncertain Significance.